The following is an entry in ClinVar:

ClinVar aggregate classification (germline): Likely benign. Review status: criteria provided, multiple submitters, no conflicts (2 of 4 stars). 2 submissions from 2 submitters: Likely benign (2). Last evaluated 2025-07-19.

Conditions:
Rafiq syndrome (RAFQS). Identifiers: Orphanet 88616, MedGen C3280127, MONDO:0013624, OMIM 614202.

Allele frequency attached by ClinVar (database versions not stated): ExAC 0.00003; gnomAD exomes 0.00004; gnomAD 0.00015 and 0.00016; TOPMed 0.00023.
gnomAD v4.1: 37 of 1,613,610 alleles (0.0023%); highest among the groups gnomAD compares: African/African-American, 0.037%; no homozygotes.

Submissions (2):

Labcorp Genetics (formerly Invitae), Labcorp
Classification: Likely benign for Rafiq syndrome. Last evaluated: 2025-07-19. Review status: criteria provided, single submitter. Criteria: Invitae Variant Classification Sherloc (09022015). Collection method: clinical testing. Allele origin: germline.

CeGaT Center for Human Genetics Tuebingen
Classification: Likely benign. Last evaluated: 2022-11-01. Review status: criteria provided, single submitter. Criteria: CeGaT Center For Human Genetics Tuebingen Variant Classification Criteria Version 2. Collection method: clinical testing. Allele origin: germline. Affected: yes. Observed: 1 variant allele.
Comment: MAN1B1: BP4

NM_016219.5(MAN1B1):c.2091C>G (p.Thr697=)

Gene: MAN1B1 (mannosidase alpha class 1B member 1; plus strand). Cytogenetic location: 9q34.3.
Variant type: single nucleotide variant.
Coding change: c.2091C>G on transcript NM_016219.5 (MANE Select); coding-DNA position 2091, C replaced by G.
Protein change: p.Thr697=; no amino-acid change (threonine 697 retained).
Molecular consequence: synonymous variant. On other transcripts: non-coding transcript variant (2).
Genome position (GRCh38, 1-based): chr9:137,108,582, C>G. VCF-style: chr9-137108582-C-G. GRCh37 (hg19) VCF-style: chr9-140003034-C-G.
Identifiers: ClinVar variation 740514 (VCV000740514.30), dbSNP rs749762302, ClinGen allele CA5359559.